The following is an entry in ClinVar:

ClinVar aggregate classification (germline): Uncertain significance (1 of 4 stars; one submission).

Conditions:
Hereditary cancer-predisposing syndrome. Also called: Hereditary Cancer Syndrome; Hereditary neoplastic syndrome; Neoplastic Syndromes, Hereditary; Tumor predisposition. Identifiers: Orphanet 140162, MedGen C0027672, MeSH D009386, MONDO:0015356.

Submission:

Ambry Genetics
Classification: Uncertain significance for Hereditary cancer-predisposing syndrome. Last evaluated: 2025-08-10. Review status: criteria provided, single submitter. Criteria: Ambry Variant Classification Scheme 2023. Collection method: clinical testing. Allele origin: germline.
Comment: The p.R177S variant (also known as c.529C>A), located in coding exon 1 of the GREM1 gene, results from a C to A substitution at nucleotide position 529. The arginine at codon 177 is replaced by serine, an amino acid with dissimilar properties. This amino acid position is conserved. In addition, the in silico prediction for this alteration is inconclusive. Based on the available evidence, the clinical significance of this variant remains unclear.

NM_013372.7(GREM1):c.529C>A (p.Arg177Ser)

Gene: GREM1 (gremlin 1, DAN family BMP antagonist; plus strand). Cytogenetic location: 15q13.3.
Variant type: single nucleotide variant.
Coding change: c.529C>A on transcript NM_013372.7 (MANE Select); coding-DNA position 529, C replaced by A.
Protein change: p.Arg177Ser; replaces arginine 177 with serine.
Molecular consequence: missense variant.
Genome position (GRCh38, 1-based): chr15:32,731,219, C>A. VCF-style: chr15-32731219-C-A. GRCh37 (hg19) VCF-style: chr15-33023420-C-A.
Other names: c.319C>A, p.Arg107Ser (NM_001191322.2); c.406C>A, p.Arg136Ser (NM_001191323.2); c.529C>A, p.Arg177Ser (NM_001368719.1); short protein forms R136S, R107S, R177S.
Identifiers: ClinVar variation 4266797 (VCV004266797.1).